The following is an entry in ClinVar:

NM_016180.5(SLC45A2):c.1156+1G>C

Gene: SLC45A2 (solute carrier family 45 member 2; minus strand). Cytogenetic location: 5p13.2.
Variant type: single nucleotide variant.
Coding change: c.1156+1G>C on transcript NM_016180.5 (MANE Select); the canonical splice donor site of the intron after coding-DNA position 1156, G replaced by C.
Molecular consequence: splice donor variant. On other transcripts: 3 prime UTR variant (1).
Genome position (GRCh38, 1-based): chr5:33,951,553, C>G on the plus strand (G>C on the coding strand, the complement: SLC45A2 is on the minus strand). VCF-style: chr5-33951553-C-G. GRCh37 (hg19) VCF-style: chr5-33951658-C-G.
Other names: c.*99G>C (NM_001297417.4); c.1156+1G>C (NM_001012509.4).
Identifiers: ClinVar variation 1458150 (VCV001458150.8), dbSNP rs752501574, ClinGen allele CA116877909.

ClinVar aggregate classification (germline): Pathogenic/Likely pathogenic. Review status: criteria provided, multiple submitters, no conflicts (2 of 4 stars). 3 submissions from 3 submitters: Pathogenic (1); Likely pathogenic (2). Last evaluated 2025-05-13.

Conditions:
SKIN/HAIR/EYE PIGMENTATION 5, BLACK/NONBLACK HAIR (SHEP5). Also called: SKIN/HAIR/EYE PIGMENTATION, VARIATION IN, 5; SKIN/HAIR/EYE PIGMENTATION 5, DARK/FAIR SKIN; SKIN/HAIR/EYE PIGMENTATION 5, DARK/LIGHT EYES. Identifiers: MedGen C2673584, OMIM 227240.
Oculocutaneous albinism type 4 (OCA4). Also called: Albinism, oculocutaneous, type IV. Identifiers: Orphanet 79435, MedGen C1847836, MONDO:0011683, OMIM 606574.
SLC45A2-related disorder. Also called: SLC45A2-related condition.

Allele frequency attached by ClinVar (database versions not stated): gnomAD exomes 0.00001; TOPMed 0.00002; gnomAD 0.00003.
gnomAD v4.1: 51 of 1,614,006 alleles (0.0032%); highest among the groups gnomAD compares: Non-Finnish European, 0.0041%; no homozygotes.

Submissions (3):

Labcorp Genetics (formerly Invitae), Labcorp
Classification: Pathogenic. Last evaluated: 2025-05-13. Review status: criteria provided, single submitter. Criteria: Invitae Variant Classification Sherloc (09022015). Collection method: clinical testing. Allele origin: germline.
Comment: This sequence change affects a donor splice site in intron 5 of the SLC45A2 gene. It is expected to disrupt RNA splicing. Variants that disrupt the donor or acceptor splice site typically lead to a loss of protein function (PMID: 16199547), and loss-of-function variants in SLC45A2 are known to be pathogenic (PMID: 21458243, 26573111). This variant is present in population databases (rs752501574, gnomAD 0.002%). Disruption of this splice site has been observed in individual(s) with ocular albinism (PMID: 24096233). In at least one individual the data is consistent with being in trans (on the opposite chromosome) from a pathogenic variant. ClinVar contains an entry for this variant (Variation ID: 1458150). Algorithms developed to predict the effect of sequence changes on RNA splicing suggest that this variant may disrupt the consensus splice site. For these reasons, this variant has been classified as Pathogenic.

Fulgent Genetics
Classification: Likely pathogenic for SKIN/HAIR/EYE PIGMENTATION 5, BLACK/NONBLACK HAIR; Oculocutaneous albinism type 4. Last evaluated: 2024-06-24. Review status: criteria provided, single submitter. Criteria: ACMG Guidelines, 2015. Collection method: clinical testing. Allele origin: germline.

Blueprint Genetics
Classification: Likely pathogenic for SLC45A2-related disorders. Last evaluated: 2020-07-07. Review status: criteria provided, single submitter. Criteria: ACMG Guidelines, 2015. Collection method: clinical testing. Allele origin: germline. Affected: yes. Observed: 1 variant allele.

Literature cited by the submitters: PubMed 16199547 (cited by Labcorp Genetics (formerly Invitae), Labcorp); PubMed 21458243 (cited by Labcorp Genetics (formerly Invitae), Labcorp); PubMed 26573111 (cited by Labcorp Genetics (formerly Invitae), Labcorp); PubMed 24096233 (cited by Labcorp Genetics (formerly Invitae), Labcorp).